The following is an entry in ClinVar:

ClinVar aggregate classification (germline): Pathogenic (1 of 4 stars; one submission).

Conditions:
Hereditary spastic paraplegia 73. Also called: Spastic paraplegia 73, autosomal dominant. Identifiers: Orphanet 444099, MedGen C5568981, MONDO:0014568, OMIM 616282.

Allele frequency attached by ClinVar (database versions not stated): gnomAD exomes below 0.00001 and 0.00001; TOPMed below 0.00001; ExAC 0.00001; gnomAD 0.00001.
gnomAD v4.1: 18 of 1,613,830 alleles (0.0011%); highest among the groups gnomAD compares: East Asian, 0.0022%; no homozygotes.

Submission:

Labcorp Genetics (formerly Invitae), Labcorp
Classification: Pathogenic for Hereditary spastic paraplegia 73. Last evaluated: 2020-11-11. Review status: criteria provided, single submitter. Criteria: Invitae Variant Classification Sherloc (09022015). Collection method: clinical testing. Allele origin: germline.
Comment: For these reasons, this variant has been classified as Pathogenic. This variant has not been reported in the literature in individuals with CPT1C-related conditions. This variant is present in population databases (rs780195851, ExAC 0.002%). This sequence change creates a premature translational stop signal (p.Arg329*) in the CPT1C gene. It is expected to result in an absent or disrupted protein product. Loss-of-function variants in CPT1C are known to be pathogenic (PMID: 30564185, 30911584).

Literature cited by the submitters: PubMed 30564185; PubMed 30911584.

NM_001199753.2(CPT1C):c.1018C>T (p.Arg340Ter)

Gene: CPT1C (carnitine palmitoyltransferase 1C; plus strand). Cytogenetic location: 19q13.33.
Variant type: single nucleotide variant.
Coding change: c.1018C>T on transcript NM_001199753.2 (MANE Select); coding-DNA position 1018, C replaced by T.
Protein change: p.Arg340Ter; replaces arginine 340 with a stop codon.
Molecular consequence: nonsense. On other transcripts: non-coding transcript variant (1).
Genome position (GRCh38, 1-based): chr19:49,705,962, C>T. VCF-style: chr19-49705962-C-T. GRCh37 (hg19) VCF-style: chr19-50209219-C-T.
Other names: c.985C>T, p.Arg329Ter (NM_001136052.3, NM_001378485.1, NM_001378487.1); c.1018C>T, p.Arg340Ter (NM_001199752.3, NM_001378483.1, NM_001378484.1 and 3 more transcripts); c.1084C>T, p.Arg362Ter (NM_001378482.1); short protein forms R329*, R362*, R340*.
Identifiers: ClinVar variation 1455162 (VCV001455162.6), dbSNP rs780195851, ClinGen allele CA9582055.